The following is an entry in ClinVar:

NM_001613.4(ACTA2):c.846C>T (p.Asn282=)

Genes: ACTA2 (actin alpha 2, smooth muscle; minus strand), ACTA2-AS1 (ACTA2 antisense RNA 1; plus strand). Cytogenetic location: 10q23.31.
Variant type: single nucleotide variant.
Coding change: c.846C>T on transcript NM_001613.4 (MANE Select); coding-DNA position 846, C replaced by T.
Protein change: p.Asn282=; no amino-acid change (asparagine 282 retained).
Molecular consequence: synonymous variant.
Genome position (GRCh38, 1-based): chr10:88,938,205, G>A on the plus strand (C>T on the coding strand, the complement: ACTA2 is on the minus strand). VCF-style: chr10-88938205-G-A. GRCh37 (hg19) VCF-style: chr10-90697962-G-A.
Other names: c.846C>T, p.Asn282= (NM_001141945.3, NM_001320855.2, NM_001406462.1 and 2 more transcripts); c.735C>T, p.Asn245= (NM_001406466.1); c.717C>T, p.Asn239= (NM_001406467.1, NM_001406468.1, NM_001406469.1); c.654C>T, p.Asn218= (NM_001406471.1).
Identifiers: ClinVar variation 536920 (VCV000536920.19), dbSNP rs375251378, ClinGen allele CA029870.
Genomic context (GRCh38, chr10:88,938,205, plus strand): 5'-TGATAGGACATTGTTAGCATAGAGGTCCTTCCTGATGTCAATATCACACTTCATGATGCT[G>A]TTGTAGGTGGTTTCATGGATGCCAGCAGACTCCATCCCTGGAAAAGAGACACAGGCCATG-3'
Protein context (NP_001604.1, residues 272-292): ESAGIHETTY[Asn282=]SIMKCDIDIR

ClinVar aggregate classification (germline): Benign/Likely benign. Review status: criteria provided, multiple submitters, no conflicts (2 of 4 stars). 6 submissions from 6 submitters: Benign (1); Likely benign (4). 1 of the submissions does not count toward it. Last evaluated 2026-04-10.

Conditions:
ACTA2-related disorder. Also called: ACTA2-related condition; ACTA2-related disorders.
Familial thoracic aortic aneurysm and aortic dissection (TAAD). Also called: Thoracic aortic aneurysms and dissections. Identifiers: Orphanet 91387, MedGen C4707243, MONDO:0019625.
Aortic aneurysm, familial thoracic 6 (AAT6). Also called: FAMILIAL THORACIC AORTIC ANEURYSM WITH LIVEDO RETICULARIS AND IRIS FLOCCULI. Identifiers: MedGen C2673186, MONDO:0012730, OMIM 611788.

Allele frequency attached by ClinVar (database versions not stated): gnomAD exomes 0.00004 and 0.00006; ExAC 0.00006; ESP Exome Variant Server 0.00008; gnomAD 0.00008 and 0.00009; TOPMed 0.00009; 1000 Genomes Project 0.00020; 1000 Genomes Project 30x 0.00031.
gnomAD v4.1: 66 of 1,614,020 alleles (0.0041%); highest among the groups gnomAD compares: Admixed American, 0.033%; no homozygotes.

Submissions (6):

Women's Health and Genetics/Laboratory Corporation of America, LabCorp
Classification: Benign. Last evaluated: 2026-04-10. Review status: criteria provided, single submitter. Criteria: LabCorp Variant Classification Summary - May 2015. Collection method: clinical testing. Allele origin: germline.

Labcorp Genetics (formerly Invitae), Labcorp
Classification: Likely benign for Aortic aneurysm, familial thoracic 6. Last evaluated: 2025-10-17. Review status: criteria provided, single submitter. Criteria: Invitae Variant Classification Sherloc (09022015). Collection method: clinical testing. Allele origin: germline.

All of Us Research Program, National Institutes of Health
Classification: Likely benign for Familial thoracic aortic aneurysm and aortic dissection. Last evaluated: 2024-02-05. Review status: criteria provided, single submitter. Criteria: ACMG Guidelines, 2015. Collection method: clinical testing. Allele origin: germline. Inheritance: Autosomal dominant inheritance. Observed: 10 variant alleles, 10 heterozygotes.
Comment: This study involves interpretation of variants in research participants for the purpose of population health screening. Participant phenotype was not available at the time of variant classification. Additional details can be found in publication PMID: 35346344, PMCID: PMC8962531

Ambry Genetics
Classification: Likely benign for Familial thoracic aortic aneurysm and aortic dissection. Last evaluated: 2020-08-27. Review status: criteria provided, single submitter. Criteria: Ambry Variant Classification Scheme 2023. Collection method: clinical testing. Allele origin: germline.

Color Diagnostics, LLC DBA Color Health
Classification: Likely benign for Familial thoracic aortic aneurysm and aortic dissection. Last evaluated: 2018-11-18. Review status: criteria provided, single submitter. Criteria: ACMG Guidelines, 2015. Collection method: clinical testing. Allele origin: germline.

PreventionGenetics, part of Exact Sciences
Classification: Likely benign for ACTA2-related condition. Last evaluated: 2019-05-31. Review status: no assertion criteria provided. Collection method: clinical testing. Allele origin: germline. Not counted in ClinVar's aggregate classification.
Comment: This variant is classified as likely benign based on ACMG/AMP sequence variant interpretation guidelines (Richards et al. 2015 PMID: 25741868, with internal and published modifications).